The following is an entry in ClinVar:

ClinVar aggregate classification (germline): Benign/Likely benign. Review status: criteria provided, multiple submitters, no conflicts (2 of 4 stars). 4 submissions from 4 submitters: Benign (2); Likely benign (2). Last evaluated 2026-01-27.

Conditions:
Mitochondrial complex I deficiency, nuclear type 1. Also called: NADH-COENZYME Q REDUCTASE DEFICIENCY; MITOCHONDRIAL NADH DEHYDROGENASE COMPONENT OF COMPLEX I, DEFICIENCY OF. Identifiers: MedGen C6022305, MONDO:0100224, OMIM 252010.

Allele frequency attached by ClinVar (database versions not stated): gnomAD exomes 0.00199 and 0.00482; ExAC 0.00596; ESP Exome Variant Server 0.01439; gnomAD 0.01819 and 0.01953; 1000 Genomes Project 0.02017; TOPMed 0.02024; 1000 Genomes Project 30x 0.02092.
gnomAD v4.1: 5,743 of 1,593,766 alleles (0.36%); highest among the groups gnomAD compares: African/African-American, 6.5%; 182 homozygotes.

Submissions (17):

Labcorp Genetics (formerly Invitae), Labcorp
Classification: Benign. Last evaluated: 2026-01-27. Review status: criteria provided, single submitter. Criteria: Invitae Variant Classification Sherloc (09022015). Collection method: clinical testing. Allele origin: germline.

Illumina Laboratory Services, Illumina
Classification: Likely benign for Mitochondrial complex I deficiency, nuclear type 1. Last evaluated: 2018-01-13. Review status: criteria provided, single submitter. Criteria: ICSL Variant Classification Criteria 13 December 2019. Collection method: clinical testing. Allele origin: germline.
Comment: This variant was observed in the ICSL laboratory as part of a predisposition screen in an ostensibly healthy population. It had not been previously curated by ICSL or reported in the Human Gene Mutation Database (HGMD: prior to June 1st, 2018), and was therefore a candidate for classification through an automated scoring system. Utilizing variant allele frequency, disease prevalence and penetrance estimates, and inheritance mode, an automated score was calculated to assess if this variant is too frequent to cause the disease. Based on the score and internal cut-off values, a variant classified as likely benign is not then subjected to further curation. The score for this variant resulted in a classification of likely benign for this disease.

GeneDx
Classification: Benign. Last evaluated: 2013-04-22. Review status: criteria provided, single submitter. Criteria: GeneDx Variant Classification (06012015). Collection method: clinical testing. Allele origin: germline. Affected: yes.
Comment: This variant is considered likely benign or benign based on one or more of the following criteria: it is a conservative change, it occurs at a poorly conserved position in the protein, it is predicted to be benign by multiple in silico algorithms, and/or has population frequency not consistent with disease.

Breakthrough Genomics
Classification: Likely benign. Review status: criteria provided, single submitter. Criteria: ACMG Guidelines, 2015. Collection method: not provided. Allele origin: germline. Inheritance: Autosomal recessive inheritance. Affected: yes.

Dr. Peter K. Rogan Lab, Western University
No classification provided (evidence only). Condition: Clear cell carcinoma of kidney. Review status: no classification provided. Collection method: in vitro. Allele origin: not applicable. Functional consequence: skipped exon, retained intron. Not counted in ClinVar's aggregate classification.

Dr. Peter K. Rogan Lab, Western University
No classification provided (evidence only). Condition: Lung cancer. Review status: no classification provided. Collection method: in vitro. Allele origin: not applicable. Functional consequence: skipped exon, retained intron. Not counted in ClinVar's aggregate classification.

Dr. Peter K. Rogan Lab, Western University
No classification provided (evidence only). Condition: Lung cancer. Review status: no classification provided. Collection method: in vitro. Allele origin: not applicable. Functional consequence: skipped exon, retained intron. Not counted in ClinVar's aggregate classification.

Dr. Peter K. Rogan Lab, Western University
No classification provided (evidence only). Condition: Uterine corpus endometrial carcinoma. Review status: no classification provided. Collection method: in vitro. Allele origin: not applicable. Functional consequence: skipped exon. Not counted in ClinVar's aggregate classification.

Dr. Peter K. Rogan Lab, Western University
No classification provided (evidence only). Condition: Uterine corpus endometrial carcinoma. Review status: no classification provided. Collection method: in vitro. Allele origin: not applicable. Functional consequence: skipped exon. Not counted in ClinVar's aggregate classification.

Dr. Peter K. Rogan Lab, Western University
No classification provided (evidence only). Condition: Uterine corpus endometrial carcinoma. Review status: no classification provided. Collection method: in vitro. Allele origin: not applicable. Functional consequence: skipped exon, retained intron. Not counted in ClinVar's aggregate classification.

Dr. Peter K. Rogan Lab, Western University
No classification provided (evidence only). Condition: Uterine corpus endometrial carcinoma. Review status: no classification provided. Collection method: in vitro. Allele origin: not applicable. Functional consequence: skipped exon, retained intron. Not counted in ClinVar's aggregate classification.

Dr. Peter K. Rogan Lab, Western University
No classification provided (evidence only). Condition: Uterine corpus endometrial carcinoma. Review status: no classification provided. Collection method: in vitro. Allele origin: not applicable. Functional consequence: skipped exon. Not counted in ClinVar's aggregate classification.

Dr. Peter K. Rogan Lab, Western University
No classification provided (evidence only). Condition: Uterine corpus endometrial carcinoma. Review status: no classification provided. Collection method: in vitro. Allele origin: not applicable. Functional consequence: retained intron. Not counted in ClinVar's aggregate classification.

Dr. Peter K. Rogan Lab, Western University
No classification provided (evidence only). Condition: Cervical cancer. Review status: no classification provided. Collection method: in vitro. Allele origin: not applicable. Functional consequence: retained intron. Not counted in ClinVar's aggregate classification.

Dr. Peter K. Rogan Lab, Western University
No classification provided (evidence only). Condition: Sarcoma. Review status: no classification provided. Collection method: in vitro. Allele origin: not applicable. Functional consequence: skipped exon. Not counted in ClinVar's aggregate classification.

Dr. Peter K. Rogan Lab, Western University
No classification provided (evidence only). Condition: Gastric cancer. Review status: no classification provided. Collection method: in vitro. Allele origin: not applicable. Functional consequence: retained intron. Not counted in ClinVar's aggregate classification.

Dr. Peter K. Rogan Lab, Western University
No classification provided (evidence only). Condition: Uterine carcinosarcoma. Review status: no classification provided. Collection method: in vitro. Allele origin: not applicable. Functional consequence: skipped exon, retained intron. Not counted in ClinVar's aggregate classification.

NM_021074.5(NDUFV2):c.580-12T>A

Genes: NDUFV2 (NADH:ubiquinone oxidoreductase core subunit V2; plus strand), NDUFV2-AS1 (NDUFV2 antisense RNA 1; minus strand). Cytogenetic location: 18p11.22.
Variant type: single nucleotide variant.
Coding change: c.580-12T>A on transcript NM_021074.5 (MANE Select); 12 bases into the intron before coding-DNA position 580, T replaced by A.
Molecular consequence: intron variant.
Genome position (GRCh38, 1-based): chr18:9,126,819, T>A. VCF-style: chr18-9126819-T-A. GRCh37 (hg19) VCF-style: chr18-9126817-T-A.
Identifiers: ClinVar variation 138507 (VCV000138507.15), dbSNP rs114558512, ClinGen allele CA292526.
Genomic context (GRCh38, chr18:9,126,819, plus strand): 5'-ACCTTGTCTCTATAAATATATCGATATAAAAGAAAGTAATTTAAATATGACTATTGTTAA[T>A]TTTTTTTCCAGGAGGATTTGACAGCTAAGGATATTGAAGAAATTATTGATGAGCTCAAGG-3'